The following is an entry in ClinVar:

NM_001329943.3(KIAA0586):c.928C>T (p.Pro310Ser)

Gene: KIAA0586 (KIAA0586; plus strand). Cytogenetic location: 14q23.1.
Variant type: single nucleotide variant.
Coding change: c.928C>T on transcript NM_001329943.3 (MANE Select); coding-DNA position 928, C replaced by T.
Protein change: p.Pro310Ser; replaces proline 310 with serine.
Molecular consequence: missense variant.
Genome position (GRCh38, 1-based): chr14:58,448,460, C>T. VCF-style: chr14-58448460-C-T. GRCh37 (hg19) VCF-style: chr14-58915178-C-T.
Other names: c.1087C>T, p.Pro363Ser (NM_001244189.2); c.883C>T, p.Pro295Ser (NM_001244190.2); c.673C>T, p.Pro225Ser (NM_001244191.2, NM_001329945.2, NM_001364700.1 and 1 more transcripts); c.796C>T, p.Pro266Ser (NM_001244192.2); c.508C>T, p.Pro170Ser (NM_001244193.2); c.928C>T, p.Pro310Ser (NM_001329944.2, NM_001329946.2, NM_001329947.2 and 1 more transcripts); c.928C>T (NM_014749.3); short protein forms P225S, P295S, P310S, P266S, P363S, P170S.
Identifiers: ClinVar variation 1510990 (VCV001510990.6), dbSNP rs1054781365, ClinGen allele CA261615985.

ClinVar aggregate classification (germline): Uncertain significance. Review status: criteria provided, multiple submitters, no conflicts (2 of 4 stars). 3 submissions from 3 submitters: Uncertain significance (3). Last evaluated 2025-02-22.

Conditions:
Joubert syndrome 23 (JBTS23). Identifiers: Orphanet 475, MedGen C4084822, MONDO:0014664, OMIM 616490.
Short-rib thoracic dysplasia 14 with polydactyly (SRTD14). Identifiers: Orphanet 397715, MedGen C4225286, MONDO:0014688, OMIM 616546.
Inborn genetic diseases. Identifiers: MedGen C0950123, MeSH D030342.

Allele frequency attached by ClinVar (database versions not stated): gnomAD exomes 0.00002; TOPMed 0.00010; gnomAD 0.00005.
gnomAD v4.1: 38 of 1,611,530 alleles (0.0024%); highest among the groups gnomAD compares: Middle Eastern, 0.049%; no homozygotes.

Submissions (3):

Ambry Genetics
Classification: Uncertain significance for Inborn genetic diseases. Last evaluated: 2025-02-22. Review status: criteria provided, single submitter. Criteria: Ambry Variant Classification Scheme 2023. Collection method: clinical testing. Allele origin: germline.

Labcorp Genetics (formerly Invitae), Labcorp
Classification: Uncertain significance for Joubert syndrome 23; Short-rib thoracic dysplasia 14 with polydactyly. Last evaluated: 2024-01-15. Review status: criteria provided, single submitter. Criteria: Invitae Variant Classification Sherloc (09022015). Collection method: clinical testing. Allele origin: germline.
Comment: This sequence change replaces proline, which is neutral and non-polar, with serine, which is neutral and polar, at codon 363 of the KIAA0586 protein (p.Pro363Ser). This variant is present in population databases (no rsID available, gnomAD 0.003%). This variant has not been reported in the literature in individuals affected with KIAA0586-related conditions. ClinVar contains an entry for this variant (Variation ID: 1510990). Advanced modeling of protein sequence and biophysical properties (such as structural, functional, and spatial information, amino acid conservation, physicochemical variation, residue mobility, and thermodynamic stability) performed at Invitae indicates that this missense variant is not expected to disrupt KIAA0586 protein function with a negative predictive value of 80%. In summary, the available evidence is currently insufficient to determine the role of this variant in disease. Therefore, it has been classified as a Variant of Uncertain Significance.

GeneDx
Classification: Uncertain significance. Last evaluated: 2022-06-08. Review status: criteria provided, single submitter. Criteria: GeneDx Variant Classification Process June 2021. Collection method: clinical testing. Allele origin: germline. Affected: yes.
Comment: In silico analysis supports that this missense variant does not alter protein structure/function; Has not been previously published as pathogenic or benign to our knowledge